The following is an entry in ClinVar:

ClinVar aggregate classification (germline): Pathogenic (1 of 4 stars; one submission).

Conditions:
Developmental and epileptic encephalopathy, 9 (DEE9). Also called: Early infantile epileptic encephalopathy 9; EPILEPSY, FEMALE-RESTRICTED, WITH MENTAL RETARDATION; PCDH19-Related X-Linked Female-Limited Epilepsy with Mental Retardation; JUBERG-HELLMAN SYNDROME. Identifiers: Orphanet 101039, Orphanet 2076, MedGen C1848137, MONDO:0010246, OMIM 300088. Disease mechanism: loss of function.

Submission:

Labcorp Genetics (formerly Invitae), Labcorp
Classification: Pathogenic for Developmental and epileptic encephalopathy, 9. Last evaluated: 2023-08-30. Review status: criteria provided, single submitter. Criteria: Invitae Variant Classification Sherloc (09022015). Collection method: clinical testing. Allele origin: germline.
Comment: For these reasons, this variant has been classified as Pathogenic. This variant disrupts the p.Asn557 amino acid residue in PCDH19. Other variant(s) that disrupt this residue have been observed in individuals with PCDH19-related conditions (PMID: 18469813; Invitae), which suggests that this may be a clinically significant amino acid residue. Experimental studies have shown that this missense change affects PCDH19 function (PMID: 34082468). Advanced modeling of protein sequence and biophysical properties (such as structural, functional, and spatial information, amino acid conservation, physicochemical variation, residue mobility, and thermodynamic stability) performed at Invitae indicates that this missense variant is expected to disrupt PCDH19 protein function. This missense change has been observed in individuals with clinical features of epilepsy and autism spectrum disorder (PMID: 18469813; Invitae). It has also been observed to segregate with disease in related individuals. This variant is not present in population databases (gnomAD no frequency). This sequence change replaces asparagine, which is neutral and polar, with lysine, which is basic and polar, at codon 557 of the PCDH19 protein (p.Asn557Lys).

Literature cited by the submitters: PubMed 18469813; PubMed 34082468.

NM_001184880.2(PCDH19):c.1671C>A (p.Asn557Lys)

Gene: PCDH19 (protocadherin 19; minus strand). Cytogenetic location: Xq22.1.
Variant type: single nucleotide variant.
Coding change: c.1671C>A on transcript NM_001184880.2 (MANE Select); coding-DNA position 1671, C replaced by A.
Protein change: p.Asn557Lys; replaces asparagine 557 with lysine.
Molecular consequence: missense variant.
Genome position (GRCh38, 1-based): chrX:100,406,927, G>T on the plus strand (C>A on the coding strand, the complement: PCDH19 is on the minus strand). VCF-style: chrX-100406927-G-T. GRCh37 (hg19) VCF-style: chrX-99661925-G-T.
Other names: c.1671C>A, p.Asn557Lys (NM_001105243.2, NM_020766.3); short protein forms N557K.
Identifiers: ClinVar variation 2780476 (VCV002780476.3), dbSNP rs267606933, ClinGen allele CA414002219.